The following is an entry in ClinVar:

NM_021956.5(GRIK2):c.2563-2545C>A

Gene: GRIK2 (glutamate ionotropic receptor kainate type subunit 2; plus strand). Cytogenetic location: 6q16.3.
Variant type: single nucleotide variant.
Coding change: c.2563-2545C>A on transcript NM_021956.5 (MANE Select); 2545 bases into the intron before coding-DNA position 2563, C replaced by A.
Molecular consequence: intron variant. On other transcripts: synonymous variant (1).
Genome position (GRCh38, 1-based): chr6:102,065,802, C>A. VCF-style: chr6-102065802-C-A. GRCh37 (hg19) VCF-style: chr6-102513677-C-A.
Other names: c.2568C>A, p.Ala856= (NM_001166247.1); c.*39+1754C>A (NM_175768.3).
Identifiers: ClinVar variation 2656796 (VCV002656796.24), dbSNP rs2485469956, ClinGen allele CA2679808487.

ClinVar aggregate classification (germline): Likely benign (1 of 4 stars; one submission).

gnomAD v4.1: 1 of 1,521,314 alleles (0.000066%); highest among the groups gnomAD compares: Non-Finnish European, 0.000089%; no homozygotes.

Submission:

CeGaT Center for Human Genetics Tuebingen
Classification: Likely benign. Last evaluated: 2022-11-01. Review status: criteria provided, single submitter. Criteria: CeGaT Center For Human Genetics Tuebingen Variant Classification Criteria Version 2. Collection method: clinical testing. Allele origin: germline. Affected: yes. Observed: 1 variant allele.
Comment: GRIK2: PM2:Supporting, BP4, BP7